The following is an entry in ClinVar:

ClinVar aggregate classification (germline): Pathogenic/Likely pathogenic. Review status: criteria provided, multiple submitters, no conflicts (2 of 4 stars). 3 submissions from 3 submitters: Pathogenic (2); Likely pathogenic (1). Last evaluated 2025-01-07.

Allele frequency attached by ClinVar (database versions not stated): gnomAD exomes below 0.00001.
gnomAD v4.1: 6 of 1,614,056 alleles (0.00037%); highest among the groups gnomAD compares: Non-Finnish European, 0.00051%; no homozygotes.

Submissions (3):

Mayo Clinic Laboratories, Mayo Clinic
Classification: Pathogenic. Last evaluated: 2025-01-07. Review status: criteria provided, single submitter. Criteria: ACMG Guidelines, 2015. Collection method: clinical testing. Allele origin: germline. Observed: 1 variant allele.
Comment: PM2_supporting, PM3, PVS1

Labcorp Genetics (formerly Invitae), Labcorp
Classification: Pathogenic. Last evaluated: 2022-07-13. Review status: criteria provided, single submitter. Criteria: Invitae Variant Classification Sherloc (09022015). Collection method: clinical testing. Allele origin: germline.
Comment: For these reasons, this variant has been classified as Pathogenic. Algorithms developed to predict the effect of sequence changes on RNA splicing suggest that this variant may disrupt the consensus splice site. This premature translational stop signal has been observed in individual(s) with hereditary spherocytosis (PMID: 31333484, 32436265). This variant is not present in population databases (gnomAD no frequency). This sequence change creates a premature translational stop signal (p.Leu1701*) in the SPTA1 gene. It is expected to result in an absent or disrupted protein product. Loss-of-function variants in SPTA1 are known to be pathogenic (PMID: 9192783, 18815189, 31333484, 31723846, 32266426).

Revvity Omics, Revvity
Classification: Likely pathogenic. Last evaluated: 2022-02-28. Review status: criteria provided, single submitter. Criteria: ACMG Guidelines, 2015. Collection method: clinical testing. Allele origin: germline.

Literature cited by the submitters: PubMed 31333484 (cited by Mayo Clinic Laboratories, Mayo Clinic and Labcorp Genetics (formerly Invitae), Labcorp); PubMed 32391969 (cited by Mayo Clinic Laboratories, Mayo Clinic); PubMed 32436265 (cited by Mayo Clinic Laboratories, Mayo Clinic and Labcorp Genetics (formerly Invitae), Labcorp); PubMed 9192783 (cited by Labcorp Genetics (formerly Invitae), Labcorp); PubMed 18815189 (cited by Labcorp Genetics (formerly Invitae), Labcorp); PubMed 31723846 (cited by Labcorp Genetics (formerly Invitae), Labcorp); PubMed 32266426 (cited by Labcorp Genetics (formerly Invitae), Labcorp).

NM_003126.4(SPTA1):c.5102T>A (p.Leu1701Ter)

Gene: SPTA1 (spectrin alpha, erythrocytic 1; minus strand). Cytogenetic location: 1q23.1.
Variant type: single nucleotide variant.
Coding change: c.5102T>A on transcript NM_003126.4 (MANE Select); coding-DNA position 5102, T replaced by A.
Protein change: p.Leu1701Ter; replaces leucine 1701 with a stop codon.
Molecular consequence: nonsense.
Genome position (GRCh38, 1-based): chr1:158,638,120, A>T on the plus strand (T>A on the coding strand, the complement: SPTA1 is on the minus strand). VCF-style: chr1-158638120-A-T. GRCh37 (hg19) VCF-style: chr1-158607910-A-T.
Other names: p.Leu1701*; short protein forms L1701*.
Identifiers: ClinVar variation 2418853 (VCV002418853.11), dbSNP rs200748323, ClinGen allele CA31265416.